The following is an entry in ClinVar:

ClinVar aggregate classification (germline): Uncertain significance. Review status: criteria provided, multiple submitters, no conflicts (2 of 4 stars). 2 submissions from 2 submitters: Uncertain significance (2). Last evaluated 2025-08-28.

Conditions:
Inborn genetic diseases. Identifiers: MedGen C0950123, MeSH D030342.
Neuronal ceroid lipofuscinosis 7 (CLN7). Also called: MFSD8-Related Neuronal Ceroid-Lipofuscinosis. Identifiers: Orphanet 168491, Orphanet 228366, MedGen C1838571, MONDO:0012588, OMIM 610951.

Allele frequency attached by ClinVar (database versions not stated): gnomAD exomes below 0.00001.
gnomAD v4.1: 2 of 1,610,848 alleles (0.00012%); highest among the groups gnomAD compares: Non-Finnish European, 0.00017%; no homozygotes.

Submissions (2):

Ambry Genetics
Classification: Uncertain significance for Inborn genetic diseases. Last evaluated: 2025-08-28. Review status: criteria provided, single submitter. Criteria: Ambry Variant Classification Scheme 2023. Collection method: clinical testing. Allele origin: germline.

Labcorp Genetics (formerly Invitae), Labcorp
Classification: Uncertain significance for Neuronal ceroid lipofuscinosis 7. Last evaluated: 2025-01-27. Review status: criteria provided, single submitter. Criteria: Invitae Variant Classification Sherloc (09022015). Collection method: clinical testing. Allele origin: germline.
Comment: This sequence change replaces arginine, which is basic and polar, with glycine, which is neutral and non-polar, at codon 242 of the MFSD8 protein (p.Arg242Gly). This variant is not present in population databases (gnomAD no frequency). This variant has not been reported in the literature in individuals affected with MFSD8-related conditions. ClinVar contains an entry for this variant (Variation ID: 2011421). Invitae Evidence Modeling of protein sequence and biophysical properties (such as structural, functional, and spatial information, amino acid conservation, physicochemical variation, residue mobility, and thermodynamic stability) indicates that this missense variant is not expected to disrupt MFSD8 protein function with a negative predictive value of 80%. In summary, the available evidence is currently insufficient to determine the role of this variant in disease. Therefore, it has been classified as a Variant of Uncertain Significance.

NM_001371596.2(MFSD8):c.724A>G (p.Arg242Gly)

Gene: MFSD8 (major facilitator superfamily domain containing 8; minus strand). Cytogenetic location: 4q28.2.
Variant type: single nucleotide variant.
Coding change: c.724A>G on transcript NM_001371596.2 (MANE Select); coding-DNA position 724, A replaced by G.
Protein change: p.Arg242Gly; replaces arginine 242 with glycine.
Molecular consequence: missense variant. On other transcripts: intron variant (3).
Genome position (GRCh38, 1-based): chr4:127,938,813, T>C on the plus strand (A>G on the coding strand, the complement: MFSD8 is on the minus strand). VCF-style: chr4-127938813-T-C. GRCh37 (hg19) VCF-style: chr4-128859968-T-C.
Other names: c.589A>G, p.Arg197Gly (NM_001371590.2); c.724A>G, p.Arg242Gly (NM_001371591.2, NM_152778.4); c.730A>G, p.Arg244Gly (NM_001371592.2); c.610A>G, p.Arg204Gly (NM_001371593.2, NM_001410766.1); c.577A>G, p.Arg193Gly (NM_001371594.2); c.442A>G, p.Arg148Gly (NM_001371595.1); c.304+4939A>G (NM_001410765.1); c.439+4939A>G (NM_001363521.3); and 2 more; short protein forms R193G, R148G, R242G, R197G, R204G, R244G.
Identifiers: ClinVar variation 2011421 (VCV002011421.4), dbSNP rs2546127317, ClinGen allele CA358175238.